The following is an entry in ClinVar:

ClinVar aggregate classification (germline): Uncertain significance (1 of 4 stars; one submission).

Submission:

Women's Health and Genetics/Laboratory Corporation of America, LabCorp
Classification: Uncertain significance. Last evaluated: 2025-11-13. Review status: criteria provided, single submitter. Criteria: LabCorp Variant Classification Summary - May 2015. Collection method: clinical testing. Allele origin: germline.
Comment: Variant summary: COL1A2 c.*24delA is located in the untranslated mRNA region downstream of the termination codon. The frequency data for this variant in gnomAD is considered unreliable, as metrics indicate poor data quality at this position. To our knowledge, no occurrence of c.*24delA in individuals affected with COL1A2-related conditions and no experimental evidence demonstrating its impact on protein function have been reported. No submitters have cited clinical-significance assessments for this variant to ClinVar. Based on the evidence outlined above, the variant was classified as uncertain significance.

NM_000089.4(COL1A2):c.*24del

Gene: COL1A2 (collagen type I alpha 2 chain; plus strand). Cytogenetic location: 7q21.3.
Variant type: Deletion.
Coding change: c.*24del on transcript NM_000089.4 (MANE Select); 24 bases downstream of the stop codon, one base deleted (A; older notation c.*24delA).
Molecular consequence: 3 prime UTR variant.
Genome position (GRCh38, 1-based): chr7:94,430,417, A deleted; the last of 6 consecutive A bases (chr7:94,430,412-94,430,417); deleting any one gives the same sequence. VCF-style (leftmost placement, unchanged base first): chr7-94430411-TA-T. GRCh37 (hg19) VCF-style: chr7-94059723-TA-T.
Other names: c.*24delA (NM_000089.4).
Identifiers: ClinVar variation 4536748 (VCV004536748.1).